The following is an entry in ClinVar:

ClinVar aggregate classification (germline): Uncertain significance (1 of 4 stars; one submission).

Conditions:
Curry-Hall syndrome (WAD). Also called: WEYERS ACRODENTAL DYSOSTOSIS. Identifiers: Orphanet 952, MedGen C0457013, MONDO:0008673, OMIM 193530.
Ellis-van Creveld syndrome (EVC). Also called: EVC-Related Ellis-van Creveld Syndrome; EVC2-Related Ellis-van Creveld Syndrome; Chondroectodermal dysplasia; MESOECTODERMAL DYSPLASIA. Identifiers: Orphanet 289, MedGen C0013903, MONDO:0009162, OMIM 225500.

Allele frequency attached by ClinVar (database versions not stated): gnomAD 0.00001; 1000 Genomes Project 0.00020; 1000 Genomes Project 30x 0.00031.
gnomAD v4.1: 2 of 1,613,664 alleles (0.00012%); highest among the groups gnomAD compares: Non-Finnish European, 0.00017%; no homozygotes.

Submission:

Labcorp Genetics (formerly Invitae), Labcorp
Classification: Uncertain significance for Curry-Hall syndrome; Ellis-van Creveld syndrome. Last evaluated: 2022-05-21. Review status: criteria provided, single submitter. Criteria: Invitae Variant Classification Sherloc (09022015). Collection method: clinical testing. Allele origin: germline.
Comment: This sequence change replaces asparagine, which is neutral and polar, with serine, which is neutral and polar, at codon 199 of the EVC2 protein (p.Asn199Ser). This variant is not present in population databases (gnomAD no frequency). This variant has not been reported in the literature in individuals affected with EVC2-related conditions. ClinVar contains an entry for this variant (Variation ID: 1044125). Algorithms developed to predict the effect of missense changes on protein structure and function are either unavailable or do not agree on the potential impact of this missense change (SIFT: "Deleterious"; PolyPhen-2: "Probably Damaging"; Align-GVGD: "Class C0"). In summary, the available evidence is currently insufficient to determine the role of this variant in disease. Therefore, it has been classified as a Variant of Uncertain Significance.

NM_147127.5(EVC2):c.596A>G (p.Asn199Ser)

Gene: EVC2 (EvC ciliary complex subunit 2; minus strand). Cytogenetic location: 4p16.2.
Variant type: single nucleotide variant.
Coding change: c.596A>G on transcript NM_147127.5 (MANE Select); coding-DNA position 596, A replaced by G.
Protein change: p.Asn199Ser; replaces asparagine 199 with serine.
Molecular consequence: missense variant.
Genome position (GRCh38, 1-based): chr4:5,689,267, T>C on the plus strand (A>G on the coding strand, the complement: EVC2 is on the minus strand). VCF-style: chr4-5689267-T-C. GRCh37 (hg19) VCF-style: chr4-5690994-T-C.
Other names: c.356A>G, p.Asn119Ser (NM_001166136.2); short protein forms N199S, N119S.
Identifiers: ClinVar variation 1044125 (VCV001044125.8), dbSNP rs567458437, ClinGen allele CA91714251.